The following is an entry in ClinVar:

NM_001065.4(TNFRSF1A):c.677C>G (p.Ser226Cys)

Gene: TNFRSF1A (TNF receptor superfamily member 1A; minus strand). Cytogenetic location: 12p13.31.
Variant type: single nucleotide variant.
Coding change: c.677C>G on transcript NM_001065.4 (MANE Select); coding-DNA position 677, C replaced by G.
Protein change: p.Ser226Cys; replaces serine 226 with cysteine.
Molecular consequence: missense variant. On other transcripts: non-coding transcript variant (1).
Genome position (GRCh38, 1-based): chr12:6,330,660, G>C on the plus strand (C>G on the coding strand, the complement: TNFRSF1A is on the minus strand). VCF-style: chr12-6330660-G-C. GRCh37 (hg19) VCF-style: chr12-6439826-G-C.
Other names: c.353C>G, p.Ser118Cys (NM_001346091.2); c.218C>G, p.Ser73Cys (NM_001346092.2); short protein forms S118C, S226C, S73C.
Identifiers: ClinVar variation 1685179 (VCV001685179.3), dbSNP rs775002776, ClinGen allele CA6405428.

ClinVar aggregate classification (germline): Uncertain significance. Review status: criteria provided, multiple submitters, no conflicts (2 of 4 stars). 2 submissions from 2 submitters: Uncertain significance (2). Last evaluated 2025-12-29.

Conditions:
TNF receptor-associated periodic fever syndrome (TRAPS) (FPF). Also called: FAMILIAL HIBERNIAN FEVER; TNF RECEPTOR-ASSOCIATED PERIODIC SYNDROME; TUMOR NECROSIS FACTOR RECEPTOR-ASSOCIATED PERIODIC SYNDROME; TNF Receptor-Associated Periodic Fever Syndrome; TNF receptor 1-associated periodic fever syndrome; Autosomal Dominant Familial Periodic Fever. Identifiers: Orphanet 32960, MedGen C1275126, MONDO:0007727, OMIM 142680.

Allele frequency attached by ClinVar (database versions not stated): gnomAD exomes below 0.00001; TOPMed below 0.00001; ExAC 0.00001; gnomAD 0.00001.
gnomAD v4.1: 5 of 1,613,862 alleles (0.00031%); highest among the groups gnomAD compares: Non-Finnish European, 0.00042%; no homozygotes.

Submissions (2):

Labcorp Genetics (formerly Invitae), Labcorp
Classification: Uncertain significance for TNF receptor-associated periodic fever syndrome (TRAPS). Last evaluated: 2025-12-29. Review status: criteria provided, single submitter. Criteria: Invitae Variant Classification Sherloc (09022015). Collection method: clinical testing. Allele origin: germline.
Comment: This sequence change replaces serine, which is neutral and polar, with cysteine, which is neutral and slightly polar, at codon 226 of the TNFRSF1A protein (p.Ser226Cys). This variant is present in population databases (rs775002776, gnomAD 0.0009%). This missense change has been observed in individual(s) with TNF receptor-associated periodic fever syndrome (TRAPS) (PMID: 38766920). ClinVar contains an entry for this variant (Variation ID: 1685179). An algorithm developed to predict the effect of missense changes on protein structure and function outputs the following: PolyPhen-2: "Benign". The cysteine amino acid residue is found in multiple mammalian species, which suggests that this missense change does not adversely affect protein function. In summary, the available evidence is currently insufficient to determine the role of this variant in disease. Therefore, it has been classified as a Variant of Uncertain Significance.

Mendelics
Classification: Uncertain significance. Last evaluated: 2022-05-04. Review status: criteria provided, single submitter. Criteria: Mendelics Assertion Criteria 2019. Collection method: clinical testing. Allele origin: germline.

Literature cited by the submitters: PubMed 38766920 (cited by Labcorp Genetics (formerly Invitae), Labcorp).